The following is an entry in ClinVar:

ClinVar aggregate classification (germline): Uncertain significance (0 of 4 stars; one submission).

Conditions:
PLXNA3-related disorder. Also called: PLXNA3-related condition.

Submission:

PreventionGenetics, part of Exact Sciences
Classification: Uncertain significance for PLXNA3-related condition. Last evaluated: 2024-03-15. Review status: no assertion criteria provided. Collection method: clinical testing. Allele origin: germline.
Comment: The PLXNA3 c.182C>G variant is predicted to result in the amino acid substitution p.Thr61Ser. To our knowledge, this variant has not been reported in the literature. This variant is reported in 0.0025% of alleles in individuals of European (Non-Finnish) descent in gnomAD. At this time, the clinical significance of this variant is uncertain due to the absence of conclusive functional and genetic evidence.

NM_017514.5(PLXNA3):c.182C>G (p.Thr61Ser)

Gene: PLXNA3 (plexin A3; plus strand). Cytogenetic location: Xq28.
Variant type: single nucleotide variant.
Coding change: c.182C>G on transcript NM_017514.5 (MANE Select); coding-DNA position 182, C replaced by G.
Protein change: p.Thr61Ser; replaces threonine 61 with serine.
Molecular consequence: missense variant.
Genome position (GRCh38, 1-based): chrX:154,460,365, C>G. VCF-style: chrX-154460365-C-G. GRCh37 (hg19) VCF-style: chrX-153688705-C-G.
Other names: short protein forms T61S.
Identifiers: ClinVar variation 3348542 (VCV003348542.1).